The following is an entry in ClinVar:

NM_000321.3(RB1):c.1333-18del

Gene: RB1 (RB transcriptional corepressor 1; plus strand). Cytogenetic location: 13q14.2.
Variant type: Deletion.
Coding change: c.1333-18del on transcript NM_000321.3 (MANE Select); 18 bases into the intron before coding-DNA position 1333, one base deleted (C; older notation c.1333-18delC).
Molecular consequence: intron variant.
Genome position (GRCh38, 1-based): chr13:48,379,576, C deleted. VCF-style (leftmost placement, unchanged base first): chr13-48379575-TC-T. GRCh37 (hg19) VCF-style: chr13-48953711-TC-T.
Other names: c.1333-18del (NM_001407165.1, NM_001407166.1).
Identifiers: ClinVar variation 2897996 (VCV002897996.4), dbSNP rs2542202661, ClinGen allele CA2739277604.

ClinVar aggregate classification (germline): Likely benign. Review status: criteria provided, multiple submitters, no conflicts (2 of 4 stars). 2 submissions from 2 submitters: Likely benign (2). Last evaluated 2026-06-18.

Conditions:
Retinoblastoma (RB1). Also called: RETINOBLASTOMA, SOMATIC. Identifiers: Orphanet 790, MedGen C0035335, MeSH D012175, MONDO:0008380, OMIM 180200, HP:0009919. Disease mechanism: loss of function. Inheritance: Both sporadic and heritable forms are tested..

Submissions (2):

Myriad Genetics, Inc.
Classification: Likely benign for Retinoblastoma. Last evaluated: 2026-06-18. Review status: criteria provided, single submitter. Criteria: Myriad Autosomal Dominant, Autosomal Recessive and X-Linked Classification Criteria (2023). Collection method: clinical testing. Allele origin: unknown.
Comment: This variant is considered likely benign. This variant is intronic and is not expected to impact mRNA splicing.

Labcorp Genetics (formerly Invitae), Labcorp
Classification: Likely benign for Retinoblastoma. Last evaluated: 2024-10-22. Review status: criteria provided, single submitter. Criteria: Invitae Variant Classification Sherloc (09022015). Collection method: clinical testing. Allele origin: germline.